The following is an entry in ClinVar:

ClinVar aggregate classification (germline): Conflicting classifications of pathogenicity. Review status: criteria provided, conflicting classifications (1 of 4 stars). 4 submissions from 4 submitters: Uncertain significance (3); Likely benign (1). Last evaluated 2025-10-01.

Conditions:
Nemaline myopathy 2 (NEM2). Also called: Nemaline myopathy 2, autosomal recessive. Identifiers: MedGen C1850569, MONDO:0009725, OMIM 256030.
Inborn genetic diseases. Identifiers: MedGen C0950123, MeSH D030342.

Allele frequency attached by ClinVar (database versions not stated): gnomAD 0.00006; ExAC 0.00007; gnomAD exomes 0.00009; TOPMed 0.00009; 1000 Genomes Project 0.00020; 1000 Genomes Project 30x 0.00031.
gnomAD v4.1: 55 of 1,613,746 alleles (0.0034%); highest among the groups gnomAD compares: Admixed American, 0.033%; 1 homozygote.

Submissions (4):

CeGaT Center for Human Genetics Tuebingen
Classification: Likely benign. Last evaluated: 2025-10-01. Review status: criteria provided, single submitter. Criteria: CeGaT Center For Human Genetics Tuebingen Variant Classification Criteria Version 2. Collection method: clinical testing. Allele origin: germline. Affected: yes. Observed: 1 variant allele.
Comment: NEB: BP4

Ambry Genetics
Classification: Uncertain significance for Inborn genetic diseases. Last evaluated: 2023-12-22. Review status: criteria provided, single submitter. Criteria: Ambry Variant Classification Scheme 2023. Collection method: clinical testing. Allele origin: germline.

Labcorp Genetics (formerly Invitae), Labcorp
Classification: Uncertain significance for Nemaline myopathy 2. Last evaluated: 2022-10-25. Review status: criteria provided, single submitter. Criteria: Invitae Variant Classification Sherloc (09022015). Collection method: clinical testing. Allele origin: germline.
Comment: This sequence change replaces arginine, which is basic and polar, with glutamine, which is neutral and polar, at codon 2644 of the NEB protein (p.Arg2644Gln). This variant is present in population databases (rs557950249, gnomAD 0.03%). This variant has not been reported in the literature in individuals affected with NEB-related conditions. ClinVar contains an entry for this variant (Variation ID: 1430708). Algorithms developed to predict the effect of missense changes on protein structure and function are either unavailable or do not agree on the potential impact of this missense change (SIFT: "Deleterious"; PolyPhen-2: "Not Available"; Align-GVGD: "Class C0"). In summary, the available evidence is currently insufficient to determine the role of this variant in disease. Therefore, it has been classified as a Variant of Uncertain Significance.

Women's Health and Genetics/Laboratory Corporation of America, LabCorp
Classification: Uncertain significance. Last evaluated: 2022-07-05. Review status: criteria provided, single submitter. Criteria: LabCorp Variant Classification Summary - May 2015. Collection method: clinical testing. Allele origin: germline.
Comment: Variant summary: NEB c.7931G>A (p.Arg2644Gln) results in a conservative amino acid change in the encoded protein sequence. Three of five in-silico tools predict a damaging effect of the variant on protein function. The variant allele was found at a frequency of 8.8e-05 in 248862 control chromosomes (gnomAD). This frequency is not significantly higher than expected for a pathogenic variant in NEB causing Nemaline Myopathy 2 (8.8e-05 vs 0.0035), allowing no conclusion about variant significance. To our knowledge, no occurrence of c.7931G>A in individuals affected with Nemaline Myopathy 2 and no experimental evidence demonstrating its impact on protein function have been reported. One clinical diagnostic laboratory has submitted an assessment for this variant to ClinVar after 2014 and classified the variant as uncertain significance. Based on the evidence outlined above, the variant was classified as uncertain significance.

NM_001164508.2(NEB):c.7931G>A (p.Arg2644Gln)

Gene: NEB (nebulin; minus strand). Cytogenetic location: 2q23.3.
Variant type: single nucleotide variant.
Coding change: c.7931G>A on transcript NM_001164508.2 (MANE Select); coding-DNA position 7931, G replaced by A.
Protein change: p.Arg2644Gln; replaces arginine 2644 with glutamine.
Molecular consequence: missense variant.
Genome position (GRCh38, 1-based): chr2:151,643,843, C>T on the plus strand (G>A on the coding strand, the complement: NEB is on the minus strand). VCF-style: chr2-151643843-C-T. GRCh37 (hg19) VCF-style: chr2-152500357-C-T.
Other names: c.7931G>A, p.Arg2644Gln (NM_001164507.2, NM_001271208.2, NM_004543.5); c.7931G>A (NM_004543.4); short protein forms R2644Q.
Identifiers: ClinVar variation 1430708 (VCV001430708.12), dbSNP rs557950249, ClinGen allele CA1909724.